The following is an entry in ClinVar:

NM_000687.4(AHCY):c.373C>G (p.Leu125Val)

Gene: AHCY (adenosylhomocysteinase; minus strand). Cytogenetic location: 20q11.22.
Variant type: single nucleotide variant.
Coding change: c.373C>G on transcript NM_000687.4 (MANE Select); coding-DNA position 373, C replaced by G.
Protein change: p.Leu125Val; replaces leucine 125 with valine.
Molecular consequence: missense variant.
Genome position (GRCh38, 1-based): chr20:34,292,430, G>C on the plus strand (C>G on the coding strand, the complement: AHCY is on the minus strand). VCF-style: chr20-34292430-G-C. GRCh37 (hg19) VCF-style: chr20-32880236-G-C.
Other names: c.289C>G, p.Leu97Val (NM_001161766.2, NM_001322084.2, NM_001322085.2); c.379C>G, p.Leu127Val (NM_001322086.2); c.373C>G, p.Leu125Val (NM_001362750.2); short protein forms L97V, L125V, L127V.
Identifiers: ClinVar variation 2064163 (VCV002064163.4), dbSNP rs2515186700, ClinGen allele CA408659190.

ClinVar aggregate classification (germline): Uncertain significance (1 of 4 stars; one submission).

Conditions:
Hypermethioninemia with deficiency of S-adenosylhomocysteine hydrolase. Identifiers: Orphanet 88618, MedGen C3151058, MONDO:0013404, OMIM 613752.

Submission:

Labcorp Genetics (formerly Invitae), Labcorp
Classification: Uncertain significance for Hypermethioninemia with deficiency of S-adenosylhomocysteine hydrolase. Last evaluated: 2022-04-10. Review status: criteria provided, single submitter. Criteria: Invitae Variant Classification Sherloc (09022015). Collection method: clinical testing. Allele origin: germline.
Comment: This sequence change replaces leucine, which is neutral and non-polar, with valine, which is neutral and non-polar, at codon 125 of the AHCY protein (p.Leu125Val). This variant is not present in population databases (gnomAD no frequency). This variant has not been reported in the literature in individuals affected with AHCY-related conditions. Algorithms developed to predict the effect of missense changes on protein structure and function are either unavailable or do not agree on the potential impact of this missense change (SIFT: "Not Available"; PolyPhen-2: "Possibly Damaging"; Align-GVGD: "Not Available"). In summary, the available evidence is currently insufficient to determine the role of this variant in disease. Therefore, it has been classified as a Variant of Uncertain Significance.